The following is an entry in ClinVar:

ClinVar aggregate classification (germline): Uncertain significance. Review status: criteria provided, multiple submitters, no conflicts (2 of 4 stars). 2 submissions from 2 submitters: Uncertain significance (2). Last evaluated 2026-04-02.

Submissions (2):

GeneDx
Classification: Uncertain significance. Last evaluated: 2026-04-02. Review status: criteria provided, single submitter. Criteria: GeneDx Variant Classification Process June 2021. Collection method: clinical testing. Allele origin: germline.
Comment: Not observed at significant frequency in large population cohorts (gnomAD); In silico analysis suggests that this missense variant does not alter protein structure/function; Has not been previously published as pathogenic or benign to our knowledge

Blueprint Genetics
Classification: Uncertain significance. Last evaluated: 2021-10-29. Review status: criteria provided, single submitter. Criteria: ACMG Guidelines, 2015. Collection method: clinical testing. Allele origin: germline.

NM_001194.4(HCN2):c.2371C>G (p.Arg791Gly)

Gene: HCN2 (hyperpolarization activated cyclic nucleotide gated potassium and sodium channel 2; plus strand). Cytogenetic location: 19p13.3.
Variant type: single nucleotide variant.
Coding change: c.2371C>G on transcript NM_001194.4 (MANE Select); coding-DNA position 2371, C replaced by G.
Protein change: p.Arg791Gly; replaces arginine 791 with glycine.
Molecular consequence: missense variant.
Genome position (GRCh38, 1-based): chr19:616,175, C>G. VCF-style: chr19-616175-C-G. GRCh37 (hg19) VCF-style: chr19-616175-C-G.
Other names: c.2371C>G (NM_001194.3); short protein forms R791G.
Identifiers: ClinVar variation 4939472 (VCV004939472.2).
Genomic context (GRCh38, chr19:616,175, plus strand): 5'-TCACCCGGGCCCCCGCCCCCCGCCAGCCCCCCGGGCGCGCCCGCCAGCCCCCGGGCACCG[C>G]GGACCTCGCCCTACGGCGGCCTGCCCGCCGCCCCCCTTGCTGGGCCCGCCCTGCCCGCGC-3'
Protein context (NP_001185.3, residues 781-801): PGAPASPRAP[Arg791Gly]TSPYGGLPAA